The following is an entry in ClinVar:

ClinVar aggregate classification (germline): Uncertain significance (1 of 4 stars; one submission).

Conditions:
Emery-Dreifuss muscular dystrophy 5, autosomal dominant (EDMD5). Also called: EMERY-DREIFUSS MUSCULAR DYSTROPHY 5. Identifiers: Orphanet 261, MedGen C2751805, MONDO:0013072, OMIM 612999.

Submission:

Labcorp Genetics (formerly Invitae), Labcorp
Classification: Uncertain significance for Emery-Dreifuss muscular dystrophy 5, autosomal dominant. Last evaluated: 2020-03-14. Review status: criteria provided, single submitter. Criteria: Invitae Variant Classification Sherloc (09022015). Collection method: clinical testing. Allele origin: germline.
Comment: This variant has not been reported in the literature in individuals with SYNE2-related conditions. This variant is not present in population databases (ExAC no frequency). This sequence change creates a premature translational stop signal (p.Glu1181Lysfs*4) in the SYNE2 gene. It is expected to result in an absent or disrupted protein product. The current clinical and genetic evidence is not sufficient to establish whether loss-of-function variants in SYNE2 cause disease. In summary, the available evidence is currently insufficient to determine the role of this variant in disease. Therefore, it has been classified as a Variant of Uncertain Significance.

NM_182914.3(SYNE2):c.3541del (p.Glu1181fs)

Gene: SYNE2 (spectrin repeat containing nuclear envelope protein 2; plus strand). Cytogenetic location: 14q23.2.
Variant type: Deletion.
Coding change: c.3541del on transcript NM_182914.3 (MANE Select); coding-DNA position 3541, one base deleted (G; older notation c.3541delG).
Protein change: p.Glu1181fs; shifts the reading frame from glutamic acid 1181.
Molecular consequence: frameshift variant.
Genome position (GRCh38, 1-based): chr14:64,000,622, G deleted. VCF-style (leftmost placement, unchanged base first): chr14-64000621-AG-A. GRCh37 (hg19) VCF-style: chr14-64467339-AG-A.
Other names: c.3541del, p.Glu1181fs (NM_015180.6); short protein forms E1181fs.
Identifiers: ClinVar variation 1004549 (VCV001004549.6), dbSNP rs2096746644, ClinGen allele CA2142465530.